The following is an entry in ClinVar:

ClinVar aggregate classification (germline): Likely pathogenic. Review status: criteria provided, multiple submitters, no conflicts (2 of 4 stars). 2 submissions from 2 submitters: Likely pathogenic (2). Last evaluated 2024-03-22.

Conditions:
Joubert syndrome 6 (JBTS6). Identifiers: Orphanet 475, MedGen C1853153, MONDO:0012539, OMIM 610688.
Bardet-Biedl syndrome 14 (BBS14). Identifiers: Orphanet 110, MedGen C2673874, MONDO:0014442, OMIM 615991.
Nephronophthisis 11 (NPHP11). Identifiers: Orphanet 84081, MedGen C3150796, MONDO:0013302, OMIM 613550.
COACH syndrome 1. Identifiers: Orphanet 1454, MedGen C5435651, MONDO:0800103, OMIM 216360, MONDO:0008996.
Meckel syndrome, type 3 (MKS3). Also called: MECKEL-GRUBER SYNDROME, TYPE 3. Identifiers: Orphanet 564, MedGen C1846357, MONDO:0011821, OMIM 607361.
RHYNS syndrome. Also called: RETINITIS PIGMENTOSA SYNDROME; RETINITIS PIGMENTOSA, HYPOPITUITARISM, NEPHRONOPHTHISIS, AND MILD SKELETAL DYSPLASIA. Identifiers: Orphanet 140976, MedGen C1865794, MONDO:0011202, OMIM 602152.
Joubert syndrome. Also called: CEREBELLOPARENCHYMAL DISORDER IV; JOUBERT-BOLTSHAUSER SYNDROME; Familial aplasia of the vermis. Identifiers: Orphanet 475, MedGen C5979921, MONDO:0018772.
Meckel-Gruber syndrome. Also called: DYSENCEPHALIA SPLANCHNOCYSTICA; GRUBER SYNDROME; Dysencephalia splachnocystica. Identifiers: Orphanet 564, MedGen C0265215, MONDO:0018921.

gnomAD v4.1: 1 of 1,563,898 alleles (0.000064%); highest among the groups gnomAD compares: Admixed American, 0.0017%; no homozygotes.

Submissions (2):

Fulgent Genetics
Classification: Likely pathogenic for COACH syndrome 1; RHYNS syndrome; Meckel syndrome, type 3; Joubert syndrome 6; Nephronophthisis 11; Bardet-Biedl syndrome 14. Last evaluated: 2024-03-22. Review status: criteria provided, single submitter. Criteria: ACMG Guidelines, 2015. Collection method: clinical testing. Allele origin: germline.

Labcorp Genetics (formerly Invitae), Labcorp
Classification: Likely pathogenic for Joubert syndrome; Meckel-Gruber syndrome. Last evaluated: 2023-04-01. Review status: criteria provided, single submitter. Criteria: Invitae Variant Classification Sherloc (09022015). Collection method: clinical testing. Allele origin: germline.
Comment: This variant is not present in population databases (gnomAD no frequency). This variant has not been reported in the literature in individuals affected with TMEM67-related conditions. Algorithms developed to predict the effect of sequence changes on RNA splicing suggest that this variant may disrupt the consensus splice site. In summary, the currently available evidence indicates that the variant is pathogenic, but additional data are needed to prove that conclusively. Therefore, this variant has been classified as Likely Pathogenic. This sequence change affects a donor splice site in intron 26 of the TMEM67 gene. It is expected to disrupt RNA splicing. Variants that disrupt the donor or acceptor splice site typically lead to a loss of protein function (PMID: 16199547), and loss-of-function variants in TMEM67 are known to be pathogenic (PMID: 20232449, 23559409).

Literature cited by the submitters: PubMed 16199547 (cited by Labcorp Genetics (formerly Invitae), Labcorp); PubMed 20232449 (cited by Labcorp Genetics (formerly Invitae), Labcorp); PubMed 23559409 (cited by Labcorp Genetics (formerly Invitae), Labcorp).

NM_153704.6(TMEM67):c.2764+2T>G

Gene: TMEM67 (transmembrane protein 67; plus strand). Cytogenetic location: 8q22.1.
Variant type: single nucleotide variant.
Coding change: c.2764+2T>G on transcript NM_153704.6 (MANE Select); the canonical splice donor site of the intron after coding-DNA position 2764, T replaced by G.
Molecular consequence: splice donor variant.
Genome position (GRCh38, 1-based): chr8:93,809,889, T>G. VCF-style: chr8-93809889-T-G. GRCh37 (hg19) VCF-style: chr8-94822117-T-G.
Other names: c.2521+2T>G (NM_001142301.1).
Identifiers: ClinVar variation 2926779 (VCV002926779.4), dbSNP rs1293481687, ClinGen allele CA371699871.